The following is an entry in ClinVar:

NM_001142800.2(EYS):c.6485dup (p.Phe2163fs)

Gene: EYS (EGF-like photoreceptor maintenance factor; minus strand). Cytogenetic location: 6q12.
Variant type: Duplication.
Coding change: c.6485dup on transcript NM_001142800.2 (MANE Select); coding-DNA position 6485, one base duplicated (A; older notation c.6485dupA).
Protein change: p.Phe2163fs; shifts the reading frame from phenylalanine 2163.
Molecular consequence: frameshift variant.
Genome position (GRCh38, 1-based): chr6:64,081,942, T duplicated on the plus strand (A on the coding strand, the reverse complement: EYS is on the minus strand); the first of 2 consecutive T bases (chr6:64,081,942-64,081,943); duplicating either gives the same sequence. VCF-style (leftmost placement, unchanged base first): chr6-64081941-C-CT. GRCh37 (hg19) VCF-style: chr6-64791834-C-CT.
Other names: c.6485dup, p.Phe2163fs (NM_001292009.2); short protein forms F2163fs.
Identifiers: ClinVar variation 2120570 (VCV002120570.5), dbSNP rs2533588559, ClinGen allele CA2580075639.

ClinVar aggregate classification (germline): Pathogenic/Likely pathogenic. Review status: criteria provided, multiple submitters, no conflicts (2 of 4 stars). 2 submissions from 2 submitters: Pathogenic (1); Likely pathogenic (1). Last evaluated 2024-10-16.

Conditions:
Retinitis pigmentosa 25 (RP25). Identifiers: Orphanet 791, MedGen C1864446, MONDO:0011272, OMIM 602772.

Submissions (2):

Labcorp Genetics (formerly Invitae), Labcorp
Classification: Pathogenic. Last evaluated: 2024-10-16. Review status: criteria provided, single submitter. Criteria: Invitae Variant Classification Sherloc (09022015). Collection method: clinical testing. Allele origin: germline.
Comment: This sequence change creates a premature translational stop signal (p.Phe2163Valfs*8) in the EYS gene. It is expected to result in an absent or disrupted protein product. Loss-of-function variants in EYS are known to be pathogenic (PMID: 18836446, 20333770). This variant is not present in population databases (gnomAD no frequency). This variant has not been reported in the literature in individuals affected with EYS-related conditions. ClinVar contains an entry for this variant (Variation ID: 2120570). For these reasons, this variant has been classified as Pathogenic.

Baylor Genetics
Classification: Likely pathogenic for Retinitis pigmentosa 25. Last evaluated: 2023-05-10. Review status: criteria provided, single submitter. Criteria: ACMG Guidelines, 2015. Collection method: clinical testing. Allele origin: unknown.

Literature cited by the submitters: PubMed 18836446 (cited by Labcorp Genetics (formerly Invitae), Labcorp); PubMed 20333770 (cited by Labcorp Genetics (formerly Invitae), Labcorp).